The following is an entry in ClinVar:

NM_001036.6(RYR3):c.1876C>T (p.Arg626Trp)

Gene: RYR3 (ryanodine receptor 3; plus strand). Cytogenetic location: 15q14.
Variant type: single nucleotide variant.
Coding change: c.1876C>T on transcript NM_001036.6 (MANE Select); coding-DNA position 1876, C replaced by T.
Protein change: p.Arg626Trp; replaces arginine 626 with tryptophan.
Molecular consequence: missense variant.
Genome position (GRCh38, 1-based): chr15:33,601,506, C>T. VCF-style: chr15-33601506-C-T. GRCh37 (hg19) VCF-style: chr15-33893707-C-T.
Other names: c.1876C>T, p.Arg626Trp (NM_001243996.4); short protein forms R626W.
Identifiers: ClinVar variation 1022298 (VCV001022298.2), dbSNP rs760906719, ClinGen allele CA7458263.

ClinVar aggregate classification (germline): Uncertain significance (1 of 4 stars; one submission).

Conditions:
Epileptic encephalopathy. Identifiers: MedGen C0543888, HP:0200134.

Allele frequency attached by ClinVar (database versions not stated): gnomAD 0.00003; TOPMed 0.00003; gnomAD exomes 0.00007 and 0.00010; ExAC 0.00016.
gnomAD v4.1: 108 of 1,613,548 alleles (0.0067%); highest among the groups gnomAD compares: East Asian, 0.14%; no homozygotes.

Submission:

Labcorp Genetics (formerly Invitae), Labcorp
Classification: Uncertain significance for Epileptic encephalopathy. Last evaluated: 2021-08-27. Review status: criteria provided, single submitter. Criteria: Invitae Variant Classification Sherloc (09022015). Collection method: clinical testing. Allele origin: germline.
Comment: This sequence change replaces arginine with tryptophan at codon 626 of the RYR3 protein (p.Arg626Trp). The arginine residue is highly conserved and there is a moderate physicochemical difference between arginine and tryptophan. This variant is present in population databases (rs760906719, ExAC 0.08%). This variant has not been reported in the literature in individuals affected with RYR3-related conditions. Algorithms developed to predict the effect of missense changes on protein structure and function (SIFT, PolyPhen-2, Align-GVGD) all suggest that this variant is likely to be disruptive. In summary, the available evidence is currently insufficient to determine the role of this variant in disease. Therefore, it has been classified as a Variant of Uncertain Significance.